The following is an entry in ClinVar:

ClinVar aggregate classification (germline): Pathogenic. Review status: criteria provided, multiple submitters, no conflicts (2 of 4 stars). 3 submissions from 3 submitters: Pathogenic (3). Last evaluated 2022-12-16.

Conditions:
Duchenne muscular dystrophy (DMD). Also called: Duchenne Muscular Dystrophy (DMD); MUSCULAR DYSTROPHY, PSEUDOHYPERTROPHIC PROGRESSIVE, DUCHENNE TYPE. Identifiers: Orphanet 98896, MedGen C0013264, MONDO:0010679, OMIM 310200.

Submissions (3):

Laboratory of Medical Genetics, National & Kapodistrian University of Athens
Classification: Pathogenic for Duchenne muscular dystrophy. Last evaluated: 2022-12-16. Review status: criteria provided, single submitter. Criteria: ACMG Guidelines, 2015. Collection method: clinical testing. Allele origin: germline. Affected: yes.
Comment: PVS1, PM2, PP5

Labcorp Genetics (formerly Invitae), Labcorp
Classification: Pathogenic for Duchenne muscular dystrophy. Last evaluated: 2018-10-08. Review status: criteria provided, single submitter. Criteria: Invitae Variant Classification Sherloc (09022015). Collection method: clinical testing. Allele origin: germline.
Comment: This sequence change affects a donor splice site in intron 12 of the DMD gene. It is expected to disrupt RNA splicing and likely results in an absent or disrupted protein product. This variant is not present in population databases (ExAC no frequency). This variant has been observed in individuals in the Universal Mutation Database (PMID: 19367636). Disruption of this splice site has been observed in individuals affected with dystrophinopathy (PMID: 19760747, 27122458). ClinVar contains an entry for this variant (Variation ID: 94469). Donor and acceptor splice site variants typically lead to a loss of protein function (PMID: 16199547), and loss-of-function variants in DMD are known to be pathogenic (PMID: 16770791, 25007885). For these reasons, this variant has been classified as Pathogenic.

Eurofins Ntd Llc (ga)
Classification: Pathogenic. Last evaluated: 2012-12-12. Review status: criteria provided, single submitter. Criteria: EGL Classification Definitions 2015. Collection method: clinical testing. Allele origin: germline. Observed: 1 variant allele, 1 heterozygote.

Literature cited by the submitters: PubMed 19367636 (cited by Labcorp Genetics (formerly Invitae), Labcorp); PubMed 19760747 (cited by Labcorp Genetics (formerly Invitae), Labcorp); PubMed 27122458 (cited by Labcorp Genetics (formerly Invitae), Labcorp); PubMed 16199547 (cited by Labcorp Genetics (formerly Invitae), Labcorp); PubMed 16770791 (cited by Labcorp Genetics (formerly Invitae), Labcorp); PubMed 25007885 (cited by Labcorp Genetics (formerly Invitae), Labcorp).

NM_004006.3(DMD):c.1482+1G>T

Gene: DMD (dystrophin; minus strand). Cytogenetic location: Xp21.1.
Variant type: single nucleotide variant.
Coding change: c.1482+1G>T on transcript NM_004006.3 (MANE Select); the canonical splice donor site of the intron after coding-DNA position 1482, G replaced by T.
Molecular consequence: splice donor variant.
Genome position (GRCh38, 1-based): chrX:32,614,302, C>A on the plus strand (G>T on the coding strand, the complement: DMD is on the minus strand). VCF-style: chrX-32614302-C-A. GRCh37 (hg19) VCF-style: chrX-32632419-C-A.
Other names: c.1458+1G>T (NM_000109.4); c.1470+1G>T (NM_004009.3); c.1113+1G>T (NM_004010.3).
Identifiers: ClinVar variation 94469 (VCV000094469.15), dbSNP rs398123862, ClinGen allele CA266893.
Genomic context (GRCh38, chrX:32,614,302, plus strand): 5'-ATAGGTACTATACACAGAGTTTGCTTTCTAGTAGAAAGCACGCAACATAAGATACACCTA[C>A]CTTATGTTGTTGTACTTGGCGTTTTAGGTCTTCAAGATCAGGTCCAAGAGGCTCTTCCTC-3'